The following is an entry in ClinVar:

NM_007118.4(TRIO):c.2668C>A (p.Gln890Lys)

Gene: TRIO (trio Rho guanine nucleotide exchange factor; plus strand). Cytogenetic location: 5p15.2.
Variant type: single nucleotide variant.
Coding change: c.2668C>A on transcript NM_007118.4 (MANE Select); coding-DNA position 2668, C replaced by A.
Protein change: p.Gln890Lys; replaces glutamine 890 with lysine.
Molecular consequence: missense variant. On other transcripts: non-coding transcript variant (1).
Genome position (GRCh38, 1-based): chr5:14,364,730, C>A. VCF-style: chr5-14364730-C-A. GRCh37 (hg19) VCF-style: chr5-14364839-C-A.
Other names: short protein forms Q890K.
Identifiers: ClinVar variation 1999101 (VCV001999101.4), dbSNP rs2532656140, ClinGen allele CA359212202.

ClinVar aggregate classification (germline): Uncertain significance (1 of 4 stars; one submission).

Allele frequency attached by ClinVar (database versions not stated): gnomAD exomes below 0.00001.
gnomAD v4.1: 1 of 1,613,178 alleles (0.000062%); highest among the groups gnomAD compares: East Asian, 0.0022%; no homozygotes.

Submission:

Labcorp Genetics (formerly Invitae), Labcorp
Classification: Uncertain significance. Last evaluated: 2022-05-26. Review status: criteria provided, single submitter. Criteria: Invitae Variant Classification Sherloc (09022015). Collection method: clinical testing. Allele origin: germline.
Comment: In summary, the available evidence is currently insufficient to determine the role of this variant in disease. Therefore, it has been classified as a Variant of Uncertain Significance. Advanced modeling of protein sequence and biophysical properties (such as structural, functional, and spatial information, amino acid conservation, physicochemical variation, residue mobility, and thermodynamic stability) performed at Invitae indicates that this missense variant is not expected to disrupt TRIO protein function. This variant has not been reported in the literature in individuals affected with TRIO-related conditions. This variant is not present in population databases (gnomAD no frequency). This sequence change replaces glutamine, which is neutral and polar, with lysine, which is basic and polar, at codon 890 of the TRIO protein (p.Gln890Lys).